The following is an entry in ClinVar:

NM_207352.4(CYP4V2):c.833C>T (p.Ala278Val)

Gene: CYP4V2 (cytochrome P450 family 4 subfamily V member 2; plus strand). Cytogenetic location: 4q35.2.
Variant type: single nucleotide variant.
Coding change: c.833C>T on transcript NM_207352.4 (MANE Select); coding-DNA position 833, C replaced by T.
Protein change: p.Ala278Val; replaces alanine 278 with valine.
Molecular consequence: missense variant.
Genome position (GRCh38, 1-based): chr4:186,201,188, C>T. VCF-style: chr4-186201188-C-T. GRCh37 (hg19) VCF-style: chr4-187122342-C-T.
Other names: short protein forms A278V.
Identifiers: ClinVar variation 1806044 (VCV001806044.1), dbSNP rs2478917721, ClinGen allele CA358948237.

ClinVar aggregate classification (germline): Uncertain significance (1 of 4 stars; one submission).

Conditions:
Bietti crystalline corneoretinal dystrophy (BCD). Also called: Bietti Crystalline Dystrophy; BIETTI TAPETORETINAL DEGENERATION WITH MARGINAL CORNEAL DYSTROPHY. Identifiers: Orphanet 41751, MedGen C1859486, MONDO:0008865, OMIM 210370.

Submission:

Victorian Clinical Genetics Services, Murdoch Childrens Research Institute
Classification: Uncertain significance for Bietti crystalline corneoretinal dystrophy. Last evaluated: 2020-05-21. Review status: criteria provided, single submitter. Criteria: ACMG Guidelines, 2015. Collection method: clinical testing. Allele origin: germline. Inheritance: Autosomal recessive inheritance.
Comment: Based on the classification scheme VCGS_Germline_v1.1.0, this variant is classified as VOUS. Following criteria are met: 0102 - Loss-of-function is a known mechanism of disease for this gene. (N) 0106 - This gene is known to be associated with autosomal recessive disease. (N) 0200 - Variant is predicted to result in a missense amino acid change from alanine to valine. (N) 0251 - Variant is heterozygous. (N) 0301 - Variant is absent from gnomAD. (P) 0309 - An alternative amino acid change at the same position has been observed in gnomAD (6 Het, 0 Hom). 0503 - Missense variant consistently predicted to be tolerated or not conserved in mammals with a minor amino acid change. (B) 0600 - Variant is located in a annotated domain or motif (Cytochrome P450; NCBI, PDB). (N) 0705 - No comparable variants have previous evidence for pathogenicity. (N) 0807 - Variant has not previously been reported in a clinical context. 0905 - No segregation evidence has been identified for this variant. (N) 1007 - No published functional evidence has been identified for this variant. (N) Legend: (P) - Pathogenic, (N) - Neutral, (B) - Benign